The following is an entry in ClinVar:

NM_005257.6(GATA6):c.94C>A (p.Pro32Thr)

Gene: GATA6 (GATA binding protein 6; plus strand). Cytogenetic location: 18q11.2.
Variant type: single nucleotide variant.
Coding change: c.94C>A on transcript NM_005257.6 (MANE Select); coding-DNA position 94, C replaced by A.
Protein change: p.Pro32Thr; replaces proline 32 with threonine.
Molecular consequence: missense variant.
Genome position (GRCh38, 1-based): chr18:22,171,238, C>A. VCF-style: chr18-22171238-C-A. GRCh37 (hg19) VCF-style: chr18-19751199-C-A.
Other names: short protein forms P32T.
Identifiers: ClinVar variation 1017315 (VCV001017315.6), dbSNP rs1166309522, ClinGen allele CA401798617.

ClinVar aggregate classification (germline): Uncertain significance (1 of 4 stars; one submission).

Conditions:
Atrioventricular septal defect 5 (AVSD5). Identifiers: MedGen C3280939, MONDO:0013769, OMIM 614474.

Allele frequency attached by ClinVar (database versions not stated): gnomAD exomes 0.00001; gnomAD 0.00002; TOPMed 0.00002.
gnomAD v4.1: 6 of 1,598,744 alleles (0.00038%); highest among the groups gnomAD compares: Non-Finnish European, 0.00051%; no homozygotes.

Submission:

Labcorp Genetics (formerly Invitae), Labcorp
Classification: Uncertain significance for Atrioventricular septal defect 5. Last evaluated: 2026-02-01. Review status: criteria provided, single submitter. Criteria: Invitae Variant Classification Sherloc (09022015). Collection method: clinical testing. Allele origin: germline.
Comment: This sequence change replaces proline, which is neutral and non-polar, with threonine, which is neutral and polar, at codon 32 of the GATA6 protein (p.Pro32Thr). This variant is not present in population databases (gnomAD no frequency). This variant has not been reported in the literature in individuals affected with GATA6-related conditions. ClinVar contains an entry for this variant (Variation ID: 1017315). An algorithm developed to predict the effect of missense changes on protein structure and function (PolyPhen-2) suggests that this variant is likely to be tolerated. In summary, the available evidence is currently insufficient to determine the role of this variant in disease. Therefore, it has been classified as a Variant of Uncertain Significance.